The following is an entry in ClinVar:

ClinVar aggregate classification (germline): Benign/Likely benign. Review status: criteria provided, multiple submitters, no conflicts (2 of 4 stars). 9 submissions from 9 submitters: Benign (6); Likely benign (1). 2 of the submissions do not count toward it. Last evaluated 2026-01-28.

Conditions:
Usher syndrome type 2C. Also called: Usher syndrome, type 2B; USHER SYNDROME, TYPE IIC. Identifiers: Orphanet 231178, Orphanet 886, MedGen C2931213, MONDO:0011558, OMIM 605472.
Febrile seizures, familial, 4 (FEB4). Also called: CONVULSIONS, FAMILIAL FEBRILE, 4. Identifiers: MedGen C1858493, MONDO:0011443, OMIM 604352.

Allele frequency attached by ClinVar (database versions not stated): gnomAD 0.00732 and 0.00784; gnomAD exomes 0.00188; ExAC 0.00323; TOPMed 0.00818; ESP Exome Variant Server 0.00895; 1000 Genomes Project 0.00919; 1000 Genomes Project 30x 0.00999.
gnomAD v4.1: 2,153 of 1,608,016 alleles (0.13%); highest among the groups gnomAD compares: African/African-American, 2.6%; 23 homozygotes.

Submissions (9):

Labcorp Genetics (formerly Invitae), Labcorp
Classification: Benign. Last evaluated: 2026-01-28. Review status: criteria provided, single submitter. Criteria: Invitae Variant Classification Sherloc (09022015). Collection method: clinical testing. Allele origin: germline.

Fulgent Genetics
Classification: Benign for Febrile seizures, familial, 4; Usher syndrome type 2C. Last evaluated: 2021-09-08. Review status: criteria provided, single submitter. Criteria: ACMG Guidelines, 2015. Collection method: clinical testing. Allele origin: unknown.

GeneDx
Classification: Benign. Last evaluated: 2018-10-09. Review status: criteria provided, single submitter. Criteria: GeneDx Variant Classification Process June 2021. Collection method: clinical testing. Allele origin: germline. Affected: yes.

Athena Diagnostics
Classification: Benign. Last evaluated: 2018-01-25. Review status: criteria provided, single submitter. Criteria: Athena Diagnostics Criteria. Collection method: clinical testing. Allele origin: germline.

Illumina Laboratory Services, Illumina
Classification: Likely benign for Usher syndrome type 2C. Last evaluated: 2018-01-13. Review status: criteria provided, single submitter. Criteria: ICSL Variant Classification Criteria 13 December 2019. Collection method: clinical testing. Allele origin: germline.
Comment: This variant was observed in the ICSL laboratory as part of a predisposition screen in an ostensibly healthy population. It had not been previously curated by ICSL or reported in the Human Gene Mutation Database (HGMD: prior to June 1st, 2018), and was therefore a candidate for classification through an automated scoring system. Utilizing variant allele frequency, disease prevalence and penetrance estimates, and inheritance mode, an automated score was calculated to assess if this variant is too frequent to cause the disease. Based on the score and internal cut-off values, a variant classified as likely benign is not then subjected to further curation. The score for this variant resulted in a classification of likely benign for this disease.

Laboratory for Molecular Medicine, Mass General Brigham Personalized Medicine
Classification: Benign. Last evaluated: 2016-02-21. Review status: criteria provided, single submitter. Criteria: LMM Criteria. Collection method: clinical testing. Allele origin: germline. Observed: 10 variant alleles.
Comment: p.Arg2360His in exon 32 of GPR98: This variant is not expected to have clinical significance because it has been identified in 3% (269/7900) of African American chromosomes from a broad population by the NHLBI Exome Sequencing Project (dbSNP rs111033470).

Center for Pediatric Genomic Medicine, Children's Mercy Hospital and Clinics
Classification: Benign. Last evaluated: 2015-06-04. Review status: criteria provided, single submitter. Criteria: ACMG Guidelines, 2015. Collection method: clinical testing. Allele origin: germline.

Clinical Genetics DNA and cytogenetics Diagnostics Lab, Erasmus MC, Erasmus Medical Center
Classification: Likely benign. Review status: no assertion criteria provided. Collection method: clinical testing. Allele origin: germline. Affected: yes. Study: VKGL Data-share Consensus. Not counted in ClinVar's aggregate classification.

Genome Diagnostics Laboratory, University Medical Center Utrecht
Classification: Likely benign. Review status: no assertion criteria provided. Collection method: clinical testing. Allele origin: germline. Affected: yes. Study: VKGL Data-share Consensus. Not counted in ClinVar's aggregate classification.

NM_032119.4(ADGRV1):c.7079G>A (p.Arg2360His)

Gene: ADGRV1 (adhesion G protein-coupled receptor V1; plus strand). Cytogenetic location: 5q14.3.
Variant type: single nucleotide variant.
Coding change: c.7079G>A on transcript NM_032119.4 (MANE Select); coding-DNA position 7079, G replaced by A.
Protein change: p.Arg2360His; replaces arginine 2360 with histidine.
Molecular consequence: missense variant. On other transcripts: non-coding transcript variant (1).
Genome position (GRCh38, 1-based): chr5:90,692,732, G>A. VCF-style: chr5-90692732-G-A. GRCh37 (hg19) VCF-style: chr5-89988549-G-A.
Other names: short protein forms R2360H.
Identifiers: ClinVar variation 46361 (VCV000046361.22), dbSNP rs111033470, ClinGen allele CA138192.
Genomic context (GRCh38, chr5:90,692,732, plus strand): 5'-TTATTATTCCTGCCAATGATGATCCTTATGGTACAGTAGCCTTTGCTCAGATGGTTTATC[G>A]TGTTCAAGAGCCTCTGGAAAGAAGTTCCTGTGCTAATATAACTGTCAGGCGAAGGTATAT-3'
Protein context (NP_115495.3, residues 2350-2370): GTVAFAQMVY[Arg2360His]VQEPLERSSC